The following is an entry in ClinVar:

NM_138927.4(SON):c.3897A>C (p.Ala1299=)

Gene: SON (SON DNA and RNA binding protein; plus strand). Cytogenetic location: 21q22.11.
Variant type: single nucleotide variant.
Coding change: c.3897A>C on transcript NM_138927.4 (MANE Select); coding-DNA position 3897, A replaced by C.
Protein change: p.Ala1299=; no amino-acid change (alanine 1299 retained).
Molecular consequence: synonymous variant. On other transcripts: non-coding transcript variant (1), intron variant (1).
Genome position (GRCh38, 1-based): chr21:33,553,128, A>C. VCF-style: chr21-33553128-A-C. GRCh37 (hg19) VCF-style: chr21-34925434-A-C.
Other names: c.3897A>C, p.Ala1299= (NM_138926.1, NM_001291411.2, NM_001412133.1 and 2 more transcripts); c.245-4028A>C (NM_001291412.3).
Identifiers: ClinVar variation 2652613 (VCV002652613.24), dbSNP rs763463922, ClinGen allele CA10009391.

ClinVar aggregate classification (germline): Likely benign (1 of 4 stars; one submission).

Allele frequency attached by ClinVar (database versions not stated): gnomAD exomes 0.00001; ExAC 0.00002; TOPMed 0.00002.
gnomAD v4.1: 11 of 1,614,232 alleles (0.00068%); highest among the groups gnomAD compares: East Asian, 0.0089%; no homozygotes.

Submission:

CeGaT Center for Human Genetics Tuebingen
Classification: Likely benign. Last evaluated: 2023-04-01. Review status: criteria provided, single submitter. Criteria: CeGaT Center For Human Genetics Tuebingen Variant Classification Criteria Version 2. Collection method: clinical testing. Allele origin: germline. Affected: yes. Observed: 1 variant allele.
Comment: SON: BP4, BP7